The following is an entry in ClinVar:

NM_002473.6(MYH9):c.4711C>T (p.Arg1571Trp)

Gene: MYH9 (myosin heavy chain 9; minus strand). Cytogenetic location: 22q12.3.
Variant type: single nucleotide variant.
Coding change: c.4711C>T on transcript NM_002473.6 (MANE Select); coding-DNA position 4711, C replaced by T.
Protein change: p.Arg1571Trp; replaces arginine 1571 with tryptophan.
Molecular consequence: missense variant.
Genome position (GRCh38, 1-based): chr22:36,288,786, G>A on the plus strand (C>T on the coding strand, the complement: MYH9 is on the minus strand). VCF-style: chr22-36288786-G-A. GRCh37 (hg19) VCF-style: chr22-36684832-G-A.
Other names: short protein forms R1571W.
Identifiers: ClinVar variation 2632073 (VCV002632073.2), dbSNP rs775178209, ClinGen allele CA10209312.

ClinVar aggregate classification (germline): Uncertain significance. Review status: criteria provided, multiple submitters, no conflicts (2 of 4 stars). 2 submissions from 2 submitters: Uncertain significance (2). Last evaluated 2024-05-17.

Conditions:
Macrothrombocytopenia and granulocyte inclusions with or without nephritis or sensorineural hearing loss (MATINS). Also called: MACROTHROMBOCYTOPENIA WITH LEUKOCYTE INCLUSIONS; BLEEDING DISORDER, PLATELET-TYPE, 6; MAY-HEGGLIN ANOMALY; DOHLE LEUKOCYTE INCLUSIONS WITH GIANT PLATELETS; SEBASTIAN PLATELET SYNDROME; MACROTHROMBOCYTOPENIA WITH DISPERSED LEUKOCYTIC INCLUSIONS. Identifiers: Orphanet 182050, MedGen C5200934, MONDO:0015912, OMIM 155100.
Autosomal dominant nonsyndromic hearing loss 17. Also called: Deafness, autosomal dominant 17; Autosomal dominant nonsyndromic deafness 17. Identifiers: Orphanet 90635, MedGen C1863659, MONDO:0011350, OMIM 603622.
MYH9-related disorder. Identifiers: MedGen C1854520.

Allele frequency attached by ClinVar (database versions not stated): ExAC 0.00001; gnomAD 0.00001; TOPMed 0.00001; gnomAD exomes 0.00002.
gnomAD v4.1: 24 of 1,611,510 alleles (0.0015%); highest among the groups gnomAD compares: South Asian, 0.0022%; no homozygotes.

Submissions (2):

Fulgent Genetics
Classification: Uncertain significance for Macrothrombocytopenia and granulocyte inclusions with or without nephritis or sensorineural hearing loss; Autosomal dominant nonsyndromic hearing loss 17. Last evaluated: 2024-05-17. Review status: criteria provided, single submitter. Criteria: ACMG Guidelines, 2015. Collection method: clinical testing. Allele origin: germline.

PreventionGenetics, part of Exact Sciences
Classification: Uncertain significance for MYH9-related condition. Last evaluated: 2023-01-31. Review status: criteria provided, single submitter. Criteria: ACMG Guidelines, 2015. Collection method: clinical testing. Allele origin: germline.
Comment: The MYH9 c.4711C>T variant is predicted to result in the amino acid substitution p.Arg1571Trp. To our knowledge, this variant has not been reported in the literature. This variant is reported in 0.00088% of alleles in individuals of European (Non-Finnish) descent in gnomAD. At this time, the clinical significance of this variant is uncertain due to the absence of conclusive functional and genetic evidence.